The following is an entry in ClinVar:

NM_000138.5(FBN1):c.7922A>G (p.Gln2641Arg)

Gene: FBN1 (fibrillin 1; minus strand). Cytogenetic location: 15q21.1.
Variant type: single nucleotide variant.
Coding change: c.7922A>G on transcript NM_000138.5 (MANE Select); coding-DNA position 7922, A replaced by G.
Protein change: p.Gln2641Arg; replaces glutamine 2641 with arginine.
Molecular consequence: missense variant.
Genome position (GRCh38, 1-based): chr15:48,415,665, T>C on the plus strand (A>G on the coding strand, the complement: FBN1 is on the minus strand). VCF-style: chr15-48415665-T-C. GRCh37 (hg19) VCF-style: chr15-48707862-T-C.
Other names: c.7922A>G, p.Gln2641Arg (NM_001406716.1); short protein forms Q2641R.
Identifiers: ClinVar variation 4635360 (VCV004635360.1).
Genomic context (GRCh38, chr15:48,415,665, plus strand): 5'-TAGCTGCAGGGGGCCTGCGCAGAGCCACATTCATTGATGTCTTGGCATCCTCCACTGAAC[T>C]GTTCATACTGGAAGCCGGCGGGACACATGCACTTGTAGCTCCCCAGGGTGTTGTGACAGG-3'
Protein context (NP_000129.3, residues 2631-2651): CMCPAGFQYE[Gln2641Arg]FSGGCQDINE

ClinVar aggregate classification (germline): Uncertain significance (1 of 4 stars; one submission).

Conditions:
Familial thoracic aortic aneurysm and aortic dissection (TAAD). Also called: Thoracic aortic aneurysms and dissections. Identifiers: Orphanet 91387, MedGen C4707243, MONDO:0019625.

Submission:

Ambry Genetics
Classification: Uncertain significance for Familial thoracic aortic aneurysm and aortic dissection. Last evaluated: 2025-09-16. Review status: criteria provided, single submitter. Criteria: Ambry Variant Classification Scheme 2023. Collection method: clinical testing. Allele origin: germline.
Comment: The p.Q2641R variant (also known as c.7922A>G), located in coding exon 63 of the FBN1 gene, results from an A to G substitution at nucleotide position 7922. The glutamine at codon 2641 is replaced by arginine, an amino acid with highly similar properties. This amino acid position is highly conserved in available vertebrate species. In addition, this alteration is predicted to be deleterious by in silico analysis. Based on the available evidence, the clinical significance of this variant remains unclear.